The following is an entry in ClinVar:

NM_000352.6(ABCC8):c.4198+18C>T

Gene: ABCC8 (ATP binding cassette subfamily C member 8; minus strand). Cytogenetic location: 11p15.1.
Variant type: single nucleotide variant.
Coding change: c.4198+18C>T on transcript NM_000352.6 (MANE Select); 18 bases into the intron after coding-DNA position 4198, C replaced by T.
Molecular consequence: intron variant.
Genome position (GRCh38, 1-based): chr11:17,395,834, G>A on the plus strand (C>T on the coding strand, the complement: ABCC8 is on the minus strand). VCF-style: chr11-17395834-G-A. GRCh37 (hg19) VCF-style: chr11-17417381-G-A.
Other names: c.4195+18C>T (NM_001351297.2); c.4198+18C>T (NM_001351296.2); c.4264+18C>T (NM_001351295.2); c.4201+18C>T (NM_001287174.3).
Identifiers: ClinVar variation 446777 (VCV000446777.14), dbSNP rs373178978, ClinGen allele CA5902539.

ClinVar aggregate classification (germline): Conflicting classifications of pathogenicity. Review status: criteria provided, conflicting classifications (1 of 4 stars). 7 submissions from 6 submitters: Uncertain significance (2); Benign (1); Likely benign (4). Last evaluated 2026-02-04.

Conditions:
Transitory neonatal diabetes mellitus. Also called: Transient neonatal diabetes mellitus. Identifiers: MedGen C0342273, MONDO:0020525, HP:0008255.
Maturity-onset diabetes of the young (MODY). Also called: Maturity onset diabetes mellitus in young. Identifiers: Orphanet 552, MedGen C0342276, MONDO:0018911, HP:0004904.

Allele frequency attached by ClinVar (database versions not stated): gnomAD exomes 0.00008 and 0.00022; ExAC 0.00063; gnomAD 0.00076 and 0.00081; ESP Exome Variant Server 0.00078; TOPMed 0.00080; 1000 Genomes Project 0.00140; 1000 Genomes Project 30x 0.00172.
gnomAD v4.1: 235 of 1,565,400 alleles (0.015%); highest among the groups gnomAD compares: African/African-American, 0.28%; no homozygotes.

Submissions (7):

Labcorp Genetics (formerly Invitae), Labcorp
Classification: Benign. Last evaluated: 2026-02-04. Review status: criteria provided, single submitter. Criteria: Invitae Variant Classification Sherloc (09022015). Collection method: clinical testing. Allele origin: germline.

Women's Health and Genetics/Laboratory Corporation of America, LabCorp
Classification: Likely benign. Last evaluated: 2025-05-06. Review status: criteria provided, single submitter. Criteria: LabCorp Variant Classification Summary - May 2015. Collection method: clinical testing. Allele origin: germline.

Blueprint Genetics
Classification: Likely benign. Last evaluated: 2023-02-17. Review status: criteria provided, single submitter. Criteria: ACMG Guidelines, 2015. Collection method: clinical testing. Allele origin: germline.

ARUP Laboratories, Molecular Genetics and Genomics, ARUP Laboratories
Classification: Likely benign. Last evaluated: 2022-03-01. Review status: criteria provided, single submitter. Criteria: ARUP Molecular Germline Variant Investigation Process 2021. Collection method: clinical testing. Allele origin: germline.

Athena Diagnostics
Classification: Likely benign. Last evaluated: 2016-09-23. Review status: criteria provided, single submitter. Criteria: Athena Diagnostics Criteria. Collection method: clinical testing. Allele origin: germline.

Clinical Genomics, Uppaluri K&H Personalized Medicine Clinic
Classification: Uncertain significance for Maturity-onset diabetes of the young. Review status: criteria provided, single submitter. Criteria: K & H Uppaluri Personalized Medicine Clinic Variant Classification & Assertion Criteria_Updated V.1. Collection method: research. Allele origin: somatic. Inheritance: Somatic mutation.
Comment: Mutations in ABCC8 gene are associated with both neonatal diabetes mellitus as well as MODY. Patients with this mutation may have a better response to sulfonylureas. However, no sufficient evidence is found to ascertain the role of this particular variant ( rs373178978) in MODY yet.

Clinical Genomics, Uppaluri K&H Personalized Medicine Clinic
Classification: Uncertain significance for Transitory neonatal diabetes mellitus. Review status: criteria provided, single submitter. Criteria: K & H Uppaluri Personalized Medicine Clinic Variant Classification & Assertion Criteria_Updated V.1. Collection method: research. Allele origin: somatic. Inheritance: Somatic mutation.
Comment: Mutations in ABCC8 gene are associated with both neonatal diabetes mellitus as well as MODY. Patients with this mutation may have a better response to sulfonylureas. However, no sufficient evidence is found to ascertain the role of this particular variant ( rs373178978 ) in neonatal diabetes yet.

Literature cited by the submitters: PubMed 16885549 (cited by Clinical Genomics, Uppaluri K&H Personalized Medicine Clinic); PubMed 21989597 (cited by Clinical Genomics, Uppaluri K&H Personalized Medicine Clinic); PubMed 27538677 (cited by Clinical Genomics, Uppaluri K&H Personalized Medicine Clinic); PubMed 18981553 (cited by Clinical Genomics, Uppaluri K&H Personalized Medicine Clinic); PubMed 32027066 (cited by Clinical Genomics, Uppaluri K&H Personalized Medicine Clinic); PubMed 16613899 (cited by Clinical Genomics, Uppaluri K&H Personalized Medicine Clinic); PubMed 18025408 (cited by Clinical Genomics, Uppaluri K&H Personalized Medicine Clinic); PubMed 32792356 (cited by Clinical Genomics, Uppaluri K&H Personalized Medicine Clinic).